The following is an entry in ClinVar:

NM_014918.5(CHSY1):c.1492A>T (p.Asn498Tyr)

Gene: CHSY1 (chondroitin sulfate synthase 1; minus strand). Cytogenetic location: 15q26.3.
Variant type: single nucleotide variant.
Coding change: c.1492A>T on transcript NM_014918.5 (MANE Select); coding-DNA position 1492, A replaced by T.
Protein change: p.Asn498Tyr; replaces asparagine 498 with tyrosine.
Molecular consequence: missense variant.
Genome position (GRCh38, 1-based): chr15:101,178,305, T>A on the plus strand (A>T on the coding strand, the complement: CHSY1 is on the minus strand). VCF-style: chr15-101178305-T-A. GRCh37 (hg19) VCF-style: chr15-101718510-T-A.
Other names: c.1492A>T (NM_014918.4); short protein forms N498Y.
Identifiers: ClinVar variation 2138992 (VCV002138992.6), dbSNP rs1271400138, ClinGen allele CA393960393.

ClinVar aggregate classification (germline): Uncertain significance. Review status: criteria provided, multiple submitters, no conflicts (2 of 4 stars). 2 submissions from 2 submitters: Uncertain significance (2). Last evaluated 2023-01-23.

Conditions:
Temtamy preaxial brachydactyly syndrome (TPBS). Identifiers: Orphanet 363417, MedGen C1854466, MONDO:0011533, OMIM 605282.
Inborn genetic diseases. Identifiers: MedGen C0950123, MeSH D030342.

Allele frequency attached by ClinVar (database versions not stated): gnomAD 0.00001; TOPMed 0.00001.
gnomAD v4.1: 33 of 1,609,420 alleles (0.0021%); highest among the groups gnomAD compares: African/African-American, 0.0027%; no homozygotes.

Submissions (2):

Ambry Genetics
Classification: Uncertain significance for Inborn genetic diseases. Last evaluated: 2023-01-23. Review status: criteria provided, single submitter. Criteria: Ambry Variant Classification Scheme 2023. Collection method: clinical testing. Allele origin: germline.

Labcorp Genetics (formerly Invitae), Labcorp
Classification: Uncertain significance for Temtamy preaxial brachydactyly syndrome. Last evaluated: 2022-04-08. Review status: criteria provided, single submitter. Criteria: Invitae Variant Classification Sherloc (09022015). Collection method: clinical testing. Allele origin: germline.
Comment: This variant has not been reported in the literature in individuals affected with CHSY1-related conditions. Algorithms developed to predict the effect of missense changes on protein structure and function are either unavailable or do not agree on the potential impact of this missense change (SIFT: "Tolerated"; PolyPhen-2: "Probably Damaging"; Align-GVGD: "Class C0"). In summary, the available evidence is currently insufficient to determine the role of this variant in disease. Therefore, it has been classified as a Variant of Uncertain Significance. This variant is present in population databases (no rsID available, gnomAD 0.007%). This sequence change replaces asparagine, which is neutral and polar, with tyrosine, which is neutral and polar, at codon 498 of the CHSY1 protein (p.Asn498Tyr).